The following is an entry in ClinVar:

NM_001048174.2(MUTYH):c.827G>T (p.Ser276Ile)

Gene: MUTYH (mutY DNA glycosylase; minus strand). Cytogenetic location: 1p34.1.
Variant type: single nucleotide variant.
Coding change: c.827G>T on transcript NM_001048174.2 (MANE Select); coding-DNA position 827, G replaced by T.
Protein change: p.Ser276Ile; replaces serine 276 with isoleucine.
Molecular consequence: missense variant. On other transcripts: non-coding transcript variant (2).
Genome position (GRCh38, 1-based): chr1:45,332,188, C>A on the plus strand (G>T on the coding strand, the complement: MUTYH is on the minus strand). VCF-style: chr1-45332188-C-A. GRCh37 (hg19) VCF-style: chr1-45797860-C-A.
Other names: c.827G>T, p.Ser276Ile (NM_001048171.2, NM_001048173.2, NM_001293195.2); c.830G>T, p.Ser277Ile (NM_001048172.2); c.911G>T, p.Ser304Ile (NM_001128425.2); c.872G>T, p.Ser291Ile (NM_001293190.2); c.860G>T, p.Ser287Ile (NM_001293191.2); c.551G>T, p.Ser184Ile (NM_001293192.2, NM_001293196.2); c.482G>T, p.Ser161Ile (NM_001350650.2, NM_001350651.2); c.902G>T, p.Ser301Ile (NM_012222.3); and 1 more; short protein forms S184I, S277I, S287I, S301I, S304I, S291I, S161I, S276I.
Identifiers: ClinVar variation 1395679 (VCV001395679.7), dbSNP rs1553127574, ClinGen allele CA340134350.

ClinVar aggregate classification (germline): Uncertain significance. Review status: criteria provided, multiple submitters, no conflicts (2 of 4 stars). 2 submissions from 2 submitters: Uncertain significance (2). Last evaluated 2025-08-27.

Conditions:
Familial adenomatous polyposis 2. Also called: Adenomas, multiple colorectal; MYH-associated polyposis; COLORECTAL ADENOMATOUS POLYPOSIS, AUTOSOMAL RECESSIVE; ADENOMAS, MULTIPLE COLORECTAL, AUTOSOMAL RECESSIVE; FAP type 2; MUTYH Polyposis. Identifiers: Orphanet 220460, Orphanet 247798, MedGen C3272841, MONDO:0012041, OMIM 608456.
Hereditary cancer-predisposing syndrome. Also called: Tumor predisposition; Neoplastic Syndromes, Hereditary; Hereditary Cancer Syndrome; Hereditary neoplastic syndrome. Identifiers: Orphanet 140162, MedGen C0027672, MeSH D009386, MONDO:0015356.

Submissions (2):

Ambry Genetics
Classification: Uncertain significance for Hereditary cancer-predisposing syndrome. Last evaluated: 2025-08-27. Review status: criteria provided, single submitter. Criteria: Ambry Variant Classification Scheme 2023. Collection method: clinical testing. Allele origin: germline.
Comment: The p.S304I variant (also known as c.911G>T), located in coding exon 10 of the MUTYH gene, results from a G to T substitution at nucleotide position 911. The serine at codon 304 is replaced by isoleucine, an amino acid with dissimilar properties. This amino acid position is conserved. In addition, the in silico prediction for this alteration is inconclusive. Based on the available evidence, the clinical significance of this variant remains unclear.

Labcorp Genetics (formerly Invitae), Labcorp
Classification: Uncertain significance for Familial adenomatous polyposis 2. Last evaluated: 2023-04-10. Review status: criteria provided, single submitter. Criteria: Invitae Variant Classification Sherloc (09022015). Collection method: clinical testing. Allele origin: germline.
Comment: In summary, the available evidence is currently insufficient to determine the role of this variant in disease. Therefore, it has been classified as a Variant of Uncertain Significance. An algorithm developed to predict the effect of missense changes on protein structure and function (PolyPhen-2) suggests that this variant is likely to be tolerated. ClinVar contains an entry for this variant (Variation ID: 1395679). This variant has not been reported in the literature in individuals affected with MUTYH-related conditions. This variant is not present in population databases (gnomAD no frequency). This sequence change replaces serine, which is neutral and polar, with isoleucine, which is neutral and non-polar, at codon 304 of the MUTYH protein (p.Ser304Ile).